The following is an entry in ClinVar:

ClinVar aggregate classification (germline): Likely benign. Review status: criteria provided, multiple submitters, no conflicts (2 of 4 stars). 2 submissions from 2 submitters: Likely benign (2). Last evaluated 2025-12-01.

gnomAD v4.1: 56 of 1,611,604 alleles (0.0035%); highest among the groups gnomAD compares: Non-Finnish European, 0.0047%; no homozygotes.

Submissions (2):

CeGaT Center for Human Genetics Tuebingen
Classification: Likely benign. Last evaluated: 2025-12-01. Review status: criteria provided, single submitter. Criteria: CeGaT Center For Human Genetics Tuebingen Variant Classification Criteria Version 2. Collection method: clinical testing. Allele origin: germline. Affected: yes. Observed: 1 variant allele.
Comment: IARS2: BP4, BP7

Labcorp Genetics (formerly Invitae), Labcorp
Classification: Likely benign. Last evaluated: 2025-01-27. Review status: criteria provided, single submitter. Criteria: Invitae Variant Classification Sherloc (09022015). Collection method: clinical testing. Allele origin: germline.

NM_018060.4(IARS2):c.216C>T (p.Pro72=)

Gene: IARS2 (isoleucyl-tRNA synthetase 2, mitochondrial; plus strand). Cytogenetic location: 1q41.
Variant type: single nucleotide variant.
Coding change: c.216C>T on transcript NM_018060.4 (MANE Select); coding-DNA position 216, C replaced by T.
Protein change: p.Pro72=; no amino-acid change (proline 72 retained).
Molecular consequence: synonymous variant.
Genome position (GRCh38, 1-based): chr1:220,094,432, C>T. VCF-style: chr1-220094432-C-T. GRCh37 (hg19) VCF-style: chr1-220267774-C-T.
Identifiers: ClinVar variation 3606238 (VCV003606238.7).